The following is an entry in ClinVar:

ClinVar aggregate classification (germline): Pathogenic (1 of 4 stars; one submission).

Conditions:
Andersen Tawil syndrome (LQT7). Also called: Andersen Syndrome; LONG QT SYNDROME 7; ANDERSEN CARDIODYSRHYTHMIC PERIODIC PARALYSIS; PERIODIC PARALYSIS, POTASSIUM-SENSITIVE CARDIODYSRHYTHMIC TYPE; Potassium-sensitive periodic paralysis, ventricular ectopy, and dysmorphic features. Identifiers: Orphanet 37553, MedGen C1563715, MONDO:0008222, OMIM 170390.
Short QT syndrome type 3. Identifiers: Orphanet 51083, MedGen C1865018, MONDO:0012314, OMIM 609622.

Submission:

Labcorp Genetics (formerly Invitae), Labcorp
Classification: Pathogenic for Short QT syndrome 3; Andersen Tawil syndrome. Last evaluated: 2019-06-04. Review status: criteria provided, single submitter. Criteria: Invitae Variant Classification Sherloc (09022015). Collection method: clinical testing. Allele origin: germline.
Comment: This variant is a deletion of the genomic region encompassing part of exon 2 (c.-217+1029_422del) of the KCNJ2 gene. This is expected to result in an absent or disrupted protein product. This variant has not been reported in the literature in individuals with KCNJ2-related conditions. Loss-of-function variants in KCNJ2 are known to be pathogenic (PMID: 12163457, 19862833, 22166941, 22186697). For these reasons, this variant has been classified as Pathogenic.

NM_000891.3(KCNJ2):c.-217+1029_422del

Gene: KCNJ2 (potassium inwardly rectifying channel subfamily J member 2; plus strand). Cytogenetic location: 17q24.3.
Variant type: Deletion.
Coding change: c.-217+1029_422del on transcript NM_000891.3 (MANE Select); 1029 bases into the intron after 217 bases upstream of the start codon through coding-DNA position 422, 4,732 bases deleted.
Molecular consequence: splice acceptor variant, initiator codon variant.
Genome position (GRCh38, 1-based): chr17:70,170,730-70,175,461, 4,732 bases deleted. GRCh37 (hg19): chr17:68,166,871-68,171,602.
Identifiers: ClinVar variation 946743 (VCV000946743.2), ClinGen allele CA1139665860.